The following is an entry in ClinVar:

NM_000553.6(WRN):c.3901C>T (p.Leu1301Phe)

Gene: WRN (WRN RecQ like helicase; plus strand). Cytogenetic location: 8p12.
Variant type: single nucleotide variant.
Coding change: c.3901C>T on transcript NM_000553.6 (MANE Select); coding-DNA position 3901, C replaced by T.
Protein change: p.Leu1301Phe; replaces leucine 1301 with phenylalanine.
Molecular consequence: missense variant.
Genome position (GRCh38, 1-based): chr8:31,157,449, C>T. VCF-style: chr8-31157449-C-T. GRCh37 (hg19) VCF-style: chr8-31014965-C-T.
Other names: short protein forms L1301F.
Identifiers: ClinVar variation 2819087 (VCV002819087.3), dbSNP rs2130480882, ClinGen allele CA370929447.
Genomic context (GRCh38, chr8:31,157,449, plus strand): 5'-ATTCTGCCTCTCATGACAATTGGCATGCACTTATCCCAAGCGGTGAAAGCTGGCTGCCCC[C>T]TTGATTTGGAGCGAGCAGGCCTGACTCCAGAGGTTCAGAAGATTATTGCTGATGTTATCC-3'
Protein context (NP_000544.2, residues 1291-1311): LSQAVKAGCP[Leu1301Phe]DLERAGLTPE

ClinVar aggregate classification (germline): Uncertain significance (1 of 4 stars; one submission).

Conditions:
Werner syndrome (WRN). Identifiers: Orphanet 902, MedGen C0043119, MONDO:0010196, OMIM 277700.

Submission:

Labcorp Genetics (formerly Invitae), Labcorp
Classification: Uncertain significance for Werner syndrome. Last evaluated: 2022-12-07. Review status: criteria provided, single submitter. Criteria: Invitae Variant Classification Sherloc (09022015). Collection method: clinical testing. Allele origin: germline.
Comment: Algorithms developed to predict the effect of missense changes on protein structure and function are either unavailable or do not agree on the potential impact of this missense change (SIFT: "Not Available"; PolyPhen-2: "Benign"; Align-GVGD: "Not Available"). In summary, the available evidence is currently insufficient to determine the role of this variant in disease. Therefore, it has been classified as a Variant of Uncertain Significance. This variant has not been reported in the literature in individuals affected with WRN-related conditions. This variant is not present in population databases (gnomAD no frequency). This sequence change replaces leucine, which is neutral and non-polar, with phenylalanine, which is neutral and non-polar, at codon 1301 of the WRN protein (p.Leu1301Phe).